The following is an entry in ClinVar:

ClinVar aggregate classification (germline): Likely pathogenic (1 of 4 stars; one submission).

Conditions:
DNMT3A-related disorder. Also called: DNMT3A-related disorders; DNMT3A-related condition.

gnomAD v4.1: 1 of 1,612,790 alleles (0.000062%); highest among the groups gnomAD compares: Non-Finnish European, 0.000085%; no homozygotes.

Submission:

PreventionGenetics, part of Exact Sciences
Classification: Likely pathogenic for DNMT3A-related condition. Last evaluated: 2025-11-17. Review status: criteria provided, single submitter. Criteria: ACMG Guidelines, 2015. Collection method: clinical testing. Allele origin: germline.
Comment: The DNMT3A c.1308C>A variant is predicted to result in premature protein termination (p.Tyr436*). To our knowledge, this variant has not been reported in the literature or in a large population database (gnomAD), indicating this variant is rare. Nonsense variants in DNMT3A are expected to be pathogenic. This variant is interpreted as likely pathogenic.

NM_022552.5(DNMT3A):c.1308C>A (p.Tyr436Ter)

Gene: DNMT3A (DNA methyltransferase 3 alpha; minus strand). Cytogenetic location: 2p23.3.
Variant type: single nucleotide variant.
Coding change: c.1308C>A on transcript NM_022552.5 (MANE Select); coding-DNA position 1308, C replaced by A.
Protein change: p.Tyr436Ter; replaces tyrosine 436 with a stop codon.
Molecular consequence: nonsense. On other transcripts: non-coding transcript variant (1).
Genome position (GRCh38, 1-based): chr2:25,246,281, G>T on the plus strand (C>A on the coding strand, the complement: DNMT3A is on the minus strand). VCF-style: chr2-25246281-G-T. GRCh37 (hg19) VCF-style: chr2-25469150-G-T.
Other names: c.852C>A, p.Tyr284Ter (NM_001320893.1); c.639C>A, p.Tyr213Ter (NM_001375819.1); c.741C>A, p.Tyr247Ter (NM_153759.3); c.1308C>A, p.Tyr436Ter (NM_175629.2); short protein forms Y247*, Y213*, Y284*, Y436*.
Identifiers: ClinVar variation 4994320 (VCV004994320.1).